The following is an entry in ClinVar:

NM_000051.4(ATM):c.6434A>T (p.Glu2145Val)

Genes: ATM (ATM serine/threonine kinase; plus strand), C11orf65 (chromosome 11 open reading frame 65; minus strand). Cytogenetic location: 11q22.3.
Variant type: single nucleotide variant.
Coding change: c.6434A>T on transcript NM_000051.4 (MANE Select); coding-DNA position 6434, A replaced by T.
Protein change: p.Glu2145Val; replaces glutamic acid 2145 with valine.
Molecular consequence: missense variant. On other transcripts: intron variant (2).
Genome position (GRCh38, 1-based): chr11:108,320,040, A>T. VCF-style: chr11-108320040-A-T. GRCh37 (hg19) VCF-style: chr11-108190767-A-T.
Other names: c.6434A>T, p.Glu2145Val (NM_001351834.2); c.641-10969T>A (NM_001330368.2); c.*39-10969T>A (NM_001351110.2); short protein forms E2145V.
Identifiers: ClinVar variation 3451308 (VCV003451308.1).

ClinVar aggregate classification (germline): Likely pathogenic (1 of 4 stars; one submission).

Conditions:
Hereditary cancer-predisposing syndrome. Also called: Tumor predisposition; Hereditary Cancer Syndrome; Neoplastic Syndromes, Hereditary; Hereditary neoplastic syndrome. Identifiers: Orphanet 140162, MedGen C0027672, MeSH D009386, MONDO:0015356.

gnomAD v4.1: 1 of 1,600,644 alleles (0.000062%); highest among the groups gnomAD compares: Non-Finnish European, 0.000086%; no homozygotes.

Submission:

Ambry Genetics
Classification: Likely pathogenic for Hereditary cancer-predisposing syndrome. Last evaluated: 2024-09-28. Review status: criteria provided, single submitter. Criteria: Ambry Variant Classification Scheme 2023. Collection method: clinical testing. Allele origin: germline.
Comment: The c.6434A>T variant (also known as p.E2145V), located in coding exon 43 of the ATM gene, results from an A to T substitution at nucleotide position 6434. This nucleotide position is highly conserved in available vertebrate species. In silico splice site analysis predicts that this alteration will weaken the native splice donor site and will result in the creation or strengthening of a novel splice donor site. RNA studies have demonstrated that this alteration results in abnormal splicing in the set of samples tested (Ambry internal data). This variant is considered to be rare based on population cohorts in the Genome Aggregation Database (gnomAD). Based on the majority of available evidence to date, this variant is likely to be pathogenic.